The following is an entry in ClinVar:

NM_001370100.5(ZMYND11):c.193A>G (p.Ile65Val)

Gene: ZMYND11 (zinc finger MYND-type containing 11; plus strand). Cytogenetic location: 10p15.3.
Variant type: single nucleotide variant.
Coding change: c.193A>G on transcript NM_001370100.5 (MANE Select); coding-DNA position 193, A replaced by G.
Protein change: p.Ile65Val; replaces isoleucine 65 with valine.
Molecular consequence: missense variant. On other transcripts: non-coding transcript variant (1), intron variant (1).
Genome position (GRCh38, 1-based): chr10:209,965, A>G. VCF-style: chr10-209965-A-G. GRCh37 (hg19) VCF-style: chr10-255905-A-G.
Other names: c.193A>G, p.Ile65Val (NM_001202464.3, NM_001202465.3, NM_001202466.3 and 24 more transcripts); c.142A>G, p.Ile48Val (NM_001330057.3, NM_001370112.2, NM_001370123.2); c.127A>G, p.Ile43Val (NM_001370116.2, NM_001370120.2); c.73A>G, p.Ile25Val (NM_001370118.2, NM_001370121.2); c.-33-26873A>G (NM_001370124.3); short protein forms I43V, I65V, I25V, I48V.
Identifiers: ClinVar variation 3670999 (VCV003670999.2).

ClinVar aggregate classification (germline): Uncertain significance (1 of 4 stars; one submission).

gnomAD v4.1: 21 of 1,613,986 alleles (0.0013%); highest among the groups gnomAD compares: Middle Eastern, 0.016%; no homozygotes.

Submission:

Labcorp Genetics (formerly Invitae), Labcorp
Classification: Uncertain significance. Last evaluated: 2025-05-21. Review status: criteria provided, single submitter. Criteria: Invitae Variant Classification Sherloc (09022015). Collection method: clinical testing. Allele origin: germline.
Comment: This sequence change replaces isoleucine, which is neutral and non-polar, with valine, which is neutral and non-polar, at codon 65 of the ZMYND11 protein (p.Ile65Val). This variant is present in population databases (no rsID available, gnomAD 0.006%). This variant has not been reported in the literature in individuals affected with ZMYND11-related conditions. ClinVar contains an entry for this variant (Variation ID: 3670999). Invitae Evidence Modeling of protein sequence and biophysical properties (such as structural, functional, and spatial information, amino acid conservation, physicochemical variation, residue mobility, and thermodynamic stability) indicates that this missense variant is not expected to disrupt ZMYND11 protein function with a negative predictive value of 80%. In summary, the available evidence is currently insufficient to determine the role of this variant in disease. Therefore, it has been classified as a Variant of Uncertain Significance.